The following is an entry in ClinVar:

NM_002890.3(RASA1):c.2239C>A (p.Gln747Lys)

Genes: CCNH (cyclin H; minus strand), RASA1 (RAS p21 protein activator 1; plus strand). Cytogenetic location: 5q14.3.
Variant type: single nucleotide variant.
Coding change: c.2239C>A on transcript NM_002890.3 (MANE Select); coding-DNA position 2239, C replaced by A.
Protein change: p.Gln747Lys; replaces glutamine 747 with lysine.
Molecular consequence: missense variant. On other transcripts: intron variant (1).
Genome position (GRCh38, 1-based): chr5:87,376,935, C>A. VCF-style: chr5-87376935-C-A. GRCh37 (hg19) VCF-style: chr5-86672752-C-A.
Other names: c.1708C>A, p.Gln570Lys (NM_022650.3); c.933+18109G>T (NM_001364075.2); short protein forms Q747K, Q570K.
Identifiers: ClinVar variation 579933 (VCV000579933.9), dbSNP rs1561322754, ClinGen allele CA360380408.

ClinVar aggregate classification (germline): Uncertain significance (1 of 4 stars; one submission).

Conditions:
Capillary malformation-arteriovenous malformation syndrome. Also called: Capillary malformation-arteriovenous malformation. Identifiers: Orphanet 137667, MedGen C1842180, MONDO:0012016.

Submission:

Labcorp Genetics (formerly Invitae), Labcorp
Classification: Uncertain significance for Capillary malformation-arteriovenous malformation syndrome. Last evaluated: 2018-03-15. Review status: criteria provided, single submitter. Criteria: Invitae Variant Classification Sherloc (09022015). Collection method: clinical testing. Allele origin: germline.
Comment: In summary, the available evidence is currently insufficient to determine the role of this variant in disease. Therefore, it has been classified as a Variant of Uncertain Significance. Algorithms developed to predict the effect of missense changes on protein structure and function (SIFT, PolyPhen-2, Align-GVGD) all suggest that this variant is likely to be tolerated, but these predictions have not been confirmed by published functional studies and their clinical significance is uncertain. This variant has not been reported in the literature in individuals with RASA1-related disease. This variant is not present in population databases (ExAC no frequency). This sequence change replaces glutamine with lysine at codon 747 of the RASA1 protein (p.Gln747Lys). The glutamine residue is highly conserved and there is a small physicochemical difference between glutamine and lysine.